The following is an entry in ClinVar:

ClinVar aggregate classification (germline): Likely benign. Review status: criteria provided, multiple submitters, no conflicts (2 of 4 stars). 3 submissions from 3 submitters: Likely benign (3). Last evaluated 2025-11-19.

Conditions:
CPOX-related disorder. Also called: CPOX-related disorders; CPOX-related condition.
Hereditary coproporphyria (HCP). Also called: Porphyria hepatica II; CPRO deficiency; Hereditary coproporphyria porphyria; Porphyria hepatica coproporphyria; COPROPORPHYRINOGEN OXIDASE DEFICIENCY; CPO DEFICIENCY. Identifiers: Orphanet 79273, MedGen C0162531, MONDO:0007369, OMIM 121300.

Allele frequency attached by ClinVar (database versions not stated): gnomAD 0.00005; ExAC 0.00006; TOPMed 0.00009; gnomAD exomes 0.00010 and 0.00018.
gnomAD v4.1: 270 of 1,612,354 alleles (0.017%); highest among the groups gnomAD compares: Non-Finnish European, 0.022%; no homozygotes.

Submissions (3):

PreventionGenetics, part of Exact Sciences
Classification: Likely benign for CPOX-related condition. Last evaluated: 2025-11-19. Review status: criteria provided, single submitter. Criteria: ACMG Guidelines, 2015. Collection method: clinical testing. Allele origin: germline.
Comment: This variant is classified as likely benign based on ACMG/AMP sequence variant interpretation guidelines (Richards et al. 2015 PMID: 25741868, with internal and published modifications).

Labcorp Genetics (formerly Invitae), Labcorp
Classification: Likely benign. Last evaluated: 2025-04-11. Review status: criteria provided, single submitter. Criteria: Invitae Variant Classification Sherloc (09022015). Collection method: clinical testing. Allele origin: germline.

Illumina Laboratory Services, Illumina
Classification: Likely benign for Hereditary coproporphyria. Last evaluated: 2017-04-27. Review status: criteria provided, single submitter. Criteria: ICSL Variant Classification Criteria 13 December 2019. Collection method: clinical testing. Allele origin: germline.
Comment: This variant was observed as part of a predisposition screen in an ostensibly healthy population. A literature search was performed for the gene, cDNA change, and amino acid change (where applicable). No publications were found based on this search. Allele frequency data from public databases allowed determination this variant is unlikely to cause disease. Therefore, this variant is classified as likely benign.

NM_000097.7(CPOX):c.1266T>A (p.Pro422=)

Gene: CPOX (coproporphyrinogen oxidase; minus strand). Cytogenetic location: 3q11.2.
Variant type: single nucleotide variant.
Coding change: c.1266T>A on transcript NM_000097.7 (MANE Select); coding-DNA position 1266, T replaced by A.
Protein change: p.Pro422=; no amino-acid change (proline 422 retained).
Molecular consequence: synonymous variant.
Genome position (GRCh38, 1-based): chr3:98,581,418, A>T on the plus strand (T>A on the coding strand, the complement: CPOX is on the minus strand). VCF-style: chr3-98581418-A-T. GRCh37 (hg19) VCF-style: chr3-98300262-A-T.
Other names: c.1266T>A, p.Pro422= (LRG_1077t1).
Identifiers: ClinVar variation 346973 (VCV000346973.13), dbSNP rs563304155, ClinGen allele CA2511475.